The following is an entry in ClinVar:

ClinVar aggregate classification (germline): Likely benign (1 of 4 stars; one submission).

Conditions:
Smith-McCort dysplasia 2 (SMC2). Identifiers: MedGen C3714896, MONDO:0014087, OMIM 615222.

Allele frequency attached by ClinVar (database versions not stated): gnomAD 0.00144 and 0.00160; TOPMed 0.00171; 1000 Genomes Project 0.00180; 1000 Genomes Project 30x 0.00234.

Submission:

Illumina Laboratory Services, Illumina
Classification: Likely benign for Smith-McCort dysplasia 2. Last evaluated: 2017-04-27. Review status: criteria provided, single submitter. Criteria: ICSL Variant Classification Criteria 13 December 2019. Collection method: clinical testing. Allele origin: germline.
Comment: This variant was observed as part of a predisposition screen in an ostensibly healthy population. A literature search was performed for the gene, cDNA change, and amino acid change (where applicable). No publications were found based on this search. Allele frequency data from public databases allowed determination this variant is unlikely to cause disease. Therefore, this variant is classified as likely benign.

NM_031296.3(RAB33B):c.*576T>C

Gene: RAB33B (RAB33B, member RAS oncogene family; plus strand). Cytogenetic location: 4q31.1.
Variant type: single nucleotide variant.
Coding change: c.*576T>C on transcript NM_031296.3 (MANE Select); 576 bases downstream of the stop codon, T replaced by C.
Molecular consequence: 3 prime UTR variant.
Genome position (GRCh38, 1-based): chr4:139,473,702, T>C. VCF-style: chr4-139473702-T-C. GRCh37 (hg19) VCF-style: chr4-140394856-T-C.
Identifiers: ClinVar variation 900307 (VCV000900307.4), dbSNP rs4131798, ClinGen allele CA106695829.